The following is an entry in ClinVar:

NM_007192.4(SUPT16H):c.706C>G (p.Pro236Ala)

Gene: SUPT16H (SPT16 homolog, facilitates chromatin remodeling subunit; minus strand). Cytogenetic location: 14q11.2.
Variant type: single nucleotide variant.
Coding change: c.706C>G on transcript NM_007192.4 (MANE Select); coding-DNA position 706, C replaced by G.
Protein change: p.Pro236Ala; replaces proline 236 with alanine.
Molecular consequence: missense variant.
Genome position (GRCh38, 1-based): chr14:21,369,280, G>C on the plus strand (C>G on the coding strand, the complement: SUPT16H is on the minus strand). VCF-style: chr14-21369280-G-C. GRCh37 (hg19) VCF-style: chr14-21837439-G-C.
Other names: short protein forms P236A.
Identifiers: ClinVar variation 5041488 (VCV005041488.1).

ClinVar aggregate classification (germline): Uncertain significance (1 of 4 stars; one submission).

Submission:

CeGaT Center for Human Genetics Tuebingen
Classification: Uncertain significance. Last evaluated: 2026-09-01. Review status: criteria provided, single submitter. Criteria: CeGaT Center For Human Genetics Tuebingen Variant Classification Criteria Version 2. Collection method: clinical testing. Allele origin: germline. Affected: yes. Observed: 1 variant allele.
Comment: SUPT16H: PM2